The following is an entry in ClinVar:

ClinVar aggregate classification (germline): Uncertain significance. Review status: criteria provided, multiple submitters, no conflicts (2 of 4 stars). 2 submissions from 2 submitters: Uncertain significance (2). Last evaluated 2022-08-20.

Conditions:
Lymphoproliferative syndrome 1 (LPFS1). Identifiers: Orphanet 238505, Orphanet 538963, MedGen C3552634, MONDO:0013081, OMIM 613011.

Allele frequency attached by ClinVar (database versions not stated): gnomAD exomes below 0.00001 and 0.00001; gnomAD 0.00001; TOPMed 0.00001; ExAC 0.00002.
gnomAD v4.1: 4 of 1,607,578 alleles (0.00025%); highest among the groups gnomAD compares: Non-Finnish European, 0.00034%; no homozygotes.

Submissions (2):

Labcorp Genetics (formerly Invitae), Labcorp
Classification: Uncertain significance for Lymphoproliferative syndrome 1. Last evaluated: 2022-08-20. Review status: criteria provided, single submitter. Criteria: Invitae Variant Classification Sherloc (09022015). Collection method: clinical testing. Allele origin: germline.
Comment: This sequence change falls in intron 9 of the ITK gene. It does not directly change the encoded amino acid sequence of the ITK protein. It affects a nucleotide within the consensus splice site. This variant is present in population databases (rs769166363, gnomAD 0.002%). This variant has not been reported in the literature in individuals affected with ITK-related conditions. ClinVar contains an entry for this variant (Variation ID: 907124). Variants that disrupt the consensus splice site are a relatively common cause of aberrant splicing (PMID: 17576681, 9536098). Algorithms developed to predict the effect of sequence changes on RNA splicing suggest that this variant is not likely to affect RNA splicing. In summary, the available evidence is currently insufficient to determine the role of this variant in disease. Therefore, it has been classified as a Variant of Uncertain Significance.

Illumina Laboratory Services, Illumina
Classification: Uncertain significance for Lymphoproliferative syndrome 1. Last evaluated: 2018-01-12. Review status: criteria provided, single submitter. Criteria: ICSL Variant Classification Criteria 13 December 2019. Collection method: clinical testing. Allele origin: germline.

Literature cited by the submitters: PubMed 17576681 (cited by Labcorp Genetics (formerly Invitae), Labcorp); PubMed 9536098 (cited by Labcorp Genetics (formerly Invitae), Labcorp).

NM_005546.4(ITK):c.851+5G>A

Gene: ITK (IL2 inducible T cell kinase; plus strand). Cytogenetic location: 5q33.3.
Variant type: single nucleotide variant.
Coding change: c.851+5G>A on transcript NM_005546.4 (MANE Select); 5 bases into the intron after coding-DNA position 851, G replaced by A.
Molecular consequence: intron variant.
Genome position (GRCh38, 1-based): chr5:157,238,196, G>A. VCF-style: chr5-157238196-G-A. GRCh37 (hg19) VCF-style: chr5-156665206-G-A.
Identifiers: ClinVar variation 907124 (VCV000907124.5), dbSNP rs769166363, ClinGen allele CA3532911.